The following is an entry in ClinVar:

ClinVar aggregate classification (germline): Uncertain significance (1 of 4 stars; one submission).

Submission:

GeneDx
Classification: Uncertain significance. Last evaluated: 2024-06-18. Review status: criteria provided, single submitter. Criteria: GeneDx Variant Classification Process June 2021. Collection method: clinical testing. Allele origin: germline. Affected: yes.
Comment: In silico analysis supports that this missense variant has a deleterious effect on protein structure/function; Not observed at significant frequency in large population cohorts (gnomAD); Has not been previously published as pathogenic or benign to our knowledge

NM_001110556.2(FLNA):c.4273A>G (p.Asn1425Asp)

Gene: FLNA (filamin A; minus strand). Cytogenetic location: Xq28.
Variant type: single nucleotide variant.
Coding change: c.4273A>G on transcript NM_001110556.2 (MANE Select); coding-DNA position 4273, A replaced by G.
Protein change: p.Asn1425Asp; replaces asparagine 1425 with aspartic acid.
Molecular consequence: missense variant.
Genome position (GRCh38, 1-based): chrX:154,359,276, T>C on the plus strand (A>G on the coding strand, the complement: FLNA is on the minus strand). VCF-style: chrX-154359276-T-C. GRCh37 (hg19) VCF-style: chrX-153587644-T-C.
Other names: c.4273A>G, p.Asn1425Asp (NM_001456.4); short protein forms N1425D.
Identifiers: ClinVar variation 3391763 (VCV003391763.1).
Genomic context (GRCh38, chrX:154,359,276, plus strand): 5'-CCAGCCCTGCCCTGGCCGCCACCTCCTCACCTGGCACTTGATGGCCACCATAGGTGACGT[T>C]GAGGCTGTAGGTGCCAGCCTCATAAGGGATGTACTCGACCGAGCAGCTGCCGTCCTTGTT-3'
Protein context (NP_001104026.1, residues 1415-1435): IPYEAGTYSL[Asn1425Asp]VTYGGHQVPG